The following is an entry in ClinVar:

ClinVar aggregate classification (germline): Uncertain significance (1 of 4 stars; one submission).

Conditions:
Ataxia-telangiectasia syndrome (AT). Also called: Ataxia-telangiectasia, complementation group D; AT, COMPLEMENTATION GROUP C; Ataxia-telangiectasia; Ataxia telangiectasia (A-T); LOUIS-BAR SYNDROME; Cerebello-oculocutaneous telangiectasia. Identifiers: Orphanet 100, MedGen C0004135, MONDO:0008840, OMIM 208900.

gnomAD v4.1: 1 of 1,606,628 alleles (0.000062%); no homozygotes.

Submission:

Labcorp Genetics (formerly Invitae), Labcorp
Classification: Uncertain significance for Ataxia-telangiectasia syndrome. Last evaluated: 2026-02-03. Review status: criteria provided, single submitter. Criteria: Invitae Variant Classification Sherloc (09022015). Collection method: clinical testing. Allele origin: germline.
Comment: This sequence change replaces cysteine, which is neutral and slightly polar, with serine, which is neutral and polar, at codon 1251 of the ATM protein (p.Cys1251Ser). This variant is present in population databases (no rsID available, gnomAD 0.01%). This variant has not been reported in the literature in individuals affected with ATM-related conditions. Invitae Evidence Modeling of protein sequence and biophysical properties (such as structural, functional, and spatial information, amino acid conservation, physicochemical variation, residue mobility, and thermodynamic stability) indicates that this missense variant is not expected to disrupt ATM protein function with a negative predictive value of 95%. In summary, the available evidence is currently insufficient to determine the role of this variant in disease. Therefore, it has been classified as a Variant of Uncertain Significance.

NM_000051.4(ATM):c.3752G>C (p.Cys1251Ser)

Gene: ATM (ATM serine/threonine kinase; plus strand). Cytogenetic location: 11q22.3.
Variant type: single nucleotide variant.
Coding change: c.3752G>C on transcript NM_000051.4 (MANE Select); coding-DNA position 3752, G replaced by C.
Protein change: p.Cys1251Ser; replaces cysteine 1251 with serine.
Molecular consequence: missense variant.
Genome position (GRCh38, 1-based): chr11:108,284,232, G>C. VCF-style: chr11-108284232-G-C. GRCh37 (hg19) VCF-style: chr11-108154959-G-C.
Other names: c.3752G>C, p.Cys1251Ser (NM_001351834.2); short protein forms C1251S.
Identifiers: ClinVar variation 4747204 (VCV004747204.1).
Genomic context (GRCh38, chr11:108,284,232, plus strand): 5'-AATTTTACTTGGAAAAGTTATATATAACCTGTATTTTAAATTTTTCTATTTTTAGATCTT[G>C]TTATAAGGTTTTGATTCCACATCTGGTGATTAGAAGTCATTTTGATGAGGTGAAGTCCAT-3'
Protein context (NP_000042.3, residues 1241-1261): YTNIEDFYRS[Cys1251Ser]YKVLIPHLVI